The following is an entry in ClinVar:

ClinVar aggregate classification (germline): Conflicting classifications of pathogenicity. Review status: criteria provided, conflicting classifications (1 of 4 stars). 3 submissions from 3 submitters: Uncertain significance (1); Likely benign (1). 1 of the submissions does not count toward it. Last evaluated 2022-07-01.

Conditions:
Hereditary cancer-predisposing syndrome. Also called: Tumor predisposition; Hereditary neoplastic syndrome; Hereditary Cancer Syndrome; Neoplastic Syndromes, Hereditary. Identifiers: Orphanet 140162, MedGen C0027672, MeSH D009386, MONDO:0015356.
Lynch syndrome. Identifiers: Orphanet 144, MedGen C4552100, MONDO:0005835. Disease mechanism: loss of function.

Allele frequency attached by ClinVar (database versions not stated): gnomAD 0.00001; gnomAD exomes 0.00001.
gnomAD v4.1: 19 of 1,613,944 alleles (0.0012%); highest among the groups gnomAD compares: African/African-American, 0.0027%; no homozygotes.

Submissions (3):

CeGaT Center for Human Genetics Tuebingen
Classification: Likely benign. Last evaluated: 2022-07-01. Review status: criteria provided, single submitter. Criteria: CeGaT Center For Human Genetics Tuebingen Variant Classification Criteria Version 2. Collection method: clinical testing. Allele origin: germline. Affected: yes. Observed: 1 variant allele.
Comment: EPCAM: BP1, BP4

Ambry Genetics
Classification: Uncertain significance for Hereditary cancer-predisposing syndrome. Last evaluated: 2022-02-05. Review status: criteria provided, single submitter. Criteria: Ambry Variant Classification Scheme 2023. Collection method: clinical testing. Allele origin: germline.
Comment: The p.A107T variant (also known as c.319G>A), located in coding exon 3 of the EPCAM gene, results from a G to A substitution at nucleotide position 319. The alanine at codon 107 is replaced by threonine, an amino acid with similar properties. This amino acid position is conserved. In addition, the in silico prediction for this alteration is inconclusive. Since supporting evidence is limited at this time, the clinical significance of this alteration remains unclear.

Labcorp Genetics (formerly Invitae), Labcorp
Classification: Uncertain significance for Lynch syndrome. Last evaluated: 2014-06-11. Review status: no assertion criteria provided. Collection method: clinical testing. Allele origin: germline. Not counted in ClinVar's aggregate classification.
Comment: The interpretation for this sequence variant was made by Invitae based on the ACMG guidelines.

NM_002354.3(EPCAM):c.319G>A (p.Ala107Thr)

Gene: EPCAM (epithelial cell adhesion molecule; plus strand). Cytogenetic location: 2p21.
Variant type: single nucleotide variant.
Coding change: c.319G>A on transcript NM_002354.3 (MANE Select); coding-DNA position 319, G replaced by A.
Protein change: p.Ala107Thr; replaces alanine 107 with threonine.
Molecular consequence: missense variant.
Genome position (GRCh38, 1-based): chr2:47,373,942, G>A. VCF-style: chr2-47373942-G-A. GRCh37 (hg19) VCF-style: chr2-47601081-G-A.
Other names: short protein forms A107T.
Identifiers: ClinVar variation 136020 (VCV000136020.34), dbSNP rs587780765, ClinGen allele CA332770.
Genomic context (GRCh38, chr2:47,373,942, plus strand): 5'-GCCCTCCAGAACAATGATGGGCTTTATGATCCTGACTGCGATGAGAGCGGGCTCTTTAAG[G>A]CCAAGCAGTGCAACGGCACCTCCATGTGCTGGTGTGTGAACACTGCTGGGGTCAGAAGAA-3'
Protein context (NP_002345.2, residues 97-117): PDCDESGLFK[Ala107Thr]KQCNGTSMCW